The following is an entry in ClinVar:

NM_000179.3(MSH6):c.3023C>G (p.Thr1008Ser)

Gene: MSH6 (mutS homolog 6; plus strand). Cytogenetic location: 2p16.3.
Variant type: single nucleotide variant.
Coding change: c.3023C>G on transcript NM_000179.3 (MANE Select); coding-DNA position 3023, C replaced by G.
Protein change: p.Thr1008Ser; replaces threonine 1008 with serine.
Molecular consequence: missense variant.
Genome position (GRCh38, 1-based): chr2:47,801,006, C>G. VCF-style: chr2-47801006-C-G. GRCh37 (hg19) VCF-style: chr2-48028145-C-G.
Other names: c.2633C>G, p.Thr878Ser (NM_001281492.2); c.2117C>G, p.Thr706Ser (NM_001281493.2, NM_001281494.2, NM_001406811.1 and 6 more transcripts); c.3119C>G, p.Thr1040Ser (NM_001406795.1, NM_001406802.1); c.3023C>G, p.Thr1008Ser (NM_001406796.1, NM_001406798.1, NM_001406800.1 and 2 more transcripts); c.2726C>G, p.Thr909Ser (NM_001406797.1, NM_001406801.1, NM_001406805.1 and 10 more transcripts); c.2498C>G, p.Thr833Ser (NM_001406799.1, NM_001406806.1, NM_001406807.1); c.2945C>G, p.Thr982Ser (NM_001406804.1); c.3029C>G, p.Thr1010Ser (NM_001406813.1); and 2 more; short protein forms T1040S, T878S, T982S, T1008S, T323S, T1010S, T706S, T833S.
Identifiers: ClinVar variation 1798942 (VCV001798942.4), dbSNP rs1558667779, ClinGen allele CA346756447.

ClinVar aggregate classification (germline): Uncertain significance. Review status: criteria provided, multiple submitters, no conflicts (2 of 4 stars). 2 submissions from 2 submitters: Uncertain significance (2). Last evaluated 2025-06-03.

Conditions:
Hereditary cancer-predisposing syndrome. Also called: Neoplastic Syndromes, Hereditary; Tumor predisposition; Hereditary Cancer Syndrome; Hereditary neoplastic syndrome. Identifiers: Orphanet 140162, MedGen C0027672, MeSH D009386, MONDO:0015356.

Submissions (2):

Color Diagnostics, LLC DBA Color Health
Classification: Uncertain significance for Hereditary cancer-predisposing syndrome. Last evaluated: 2025-06-03. Review status: criteria provided, single submitter. Criteria: ACMG Guidelines, 2015. Collection method: clinical testing. Allele origin: germline.
Comment: This missense variant replaces threonine with serine at codon 1008 of the MSH6 protein. Computational prediction suggests that this variant may have deleterious impact on protein structure and function. To our knowledge, functional studies have not been reported for this variant. This variant has not been reported in individuals affected with MSH6-related disorders in the literature. This variant has not been identified in the general population by the Genome Aggregation Database (gnomAD). The available evidence is insufficient to determine the role of this variant in disease conclusively. Therefore, this variant is classified as a Variant of Uncertain Significance.

Ambry Genetics
Classification: Uncertain significance for Hereditary cancer-predisposing syndrome. Last evaluated: 2024-08-28. Review status: criteria provided, single submitter. Criteria: Ambry Variant Classification Scheme 2023. Collection method: clinical testing. Allele origin: germline.
Comment: The p.T1008S variant (also known as c.3023C>G), located in coding exon 4 of the MSH6 gene, results from a C to G substitution at nucleotide position 3023. The threonine at codon 1008 is replaced by serine, an amino acid with similar properties. This amino acid position is highly conserved in available vertebrate species. In addition, this alteration is predicted to be deleterious by in silico analysis. Based on the available evidence, the clinical significance of this variant remains unclear.